The following is an entry in ClinVar:

ClinVar aggregate classification (germline): Uncertain significance (1 of 4 stars; one submission).

Submission:

Labcorp Genetics (formerly Invitae), Labcorp
Classification: Uncertain significance. Last evaluated: 2021-07-24. Review status: criteria provided, single submitter. Criteria: Invitae Variant Classification Sherloc (09022015). Collection method: clinical testing. Allele origin: germline.
Comment: This sequence change creates a premature translational stop signal (p.Val76Serfs*40) in the DHX38 gene. It is expected to result in an absent or disrupted protein product. However, the current clinical and genetic evidence is not sufficient to establish whether loss-of-function variants in DHX38 cause disease. This variant is not present in population databases (ExAC no frequency). This variant has not been reported in the literature in individuals affected with DHX38-related conditions. Experimental studies and prediction algorithms are not available or were not evaluated, and the functional significance of this variant is currently unknown. In summary, the available evidence is currently insufficient to determine the role of this variant in disease. Therefore, it has been classified as a Variant of Uncertain Significance.

NM_014003.4(DHX38):c.225del (p.Val76fs)

Gene: DHX38 (DEAH-box helicase 38; plus strand). Cytogenetic location: 16q22.2.
Variant type: Deletion.
Coding change: c.225del on transcript NM_014003.4 (MANE Select); coding-DNA position 225, one base deleted (A; older notation c.225delA).
Protein change: p.Val76fs; shifts the reading frame from valine 76.
Molecular consequence: frameshift variant.
Genome position (GRCh38, 1-based): chr16:72,096,382, A deleted; the last of 3 consecutive A bases (chr16:72,096,380-72,096,382); deleting any one gives the same sequence. VCF-style (leftmost placement, unchanged base first): chr16-72096379-CA-C. GRCh37 (hg19) VCF-style: chr16-72130278-CA-C.
Other names: short protein forms V76fs.
Identifiers: ClinVar variation 1407078 (VCV001407078.6), dbSNP rs2042018604, ClinGen allele CA2231561946.